The following is an entry in ClinVar:

NM_144631.6(ZNF513):c.279_283del (p.Ala94fs)

Gene: ZNF513 (zinc finger protein 513; minus strand). Cytogenetic location: 2p23.3.
Variant type: Deletion.
Coding change: c.279_283del on transcript NM_144631.6 (MANE Select); coding-DNA positions 279 to 283, 5 bases deleted (GGCAC; older notation c.279_283delGGCAC).
Protein change: p.Ala94fs; shifts the reading frame from alanine 94.
Molecular consequence: frameshift variant.
Genome position (GRCh38, 1-based): chr2:27,378,983-27,378,987, GTGCC deleted on the plus strand (GGCAC on the coding strand, the reverse complement: ZNF513 is on the minus strand). VCF-style (leftmost placement, unchanged base first): chr2-27378982-AGTGCC-A. GRCh37 (hg19) VCF-style: chr2-27601849-AGTGCC-A.
Other names: c.93_97del, p.Ala32fs (NM_001201459.2); short protein forms A32fs, A94fs.
Identifiers: ClinVar variation 930689 (VCV000930689.3), dbSNP rs1683490120, ClinGen allele CA1139656809.

ClinVar aggregate classification (germline): Likely pathogenic (1 of 4 stars; one submission).

Conditions:
Retinitis pigmentosa 58 (RP58). Identifiers: Orphanet 791, MedGen C3150879, MONDO:0013328, OMIM 613617.

Submission:

Centre for Mendelian Genomics, University Medical Centre Ljubljana
Classification: Likely pathogenic for Retinitis pigmentosa 58. Last evaluated: 2019-12-03. Review status: criteria provided, single submitter. Criteria: ACMG Guidelines, 2015. Collection method: clinical testing. Allele origin: unknown. Affected: yes.
Comment: This variant was classified as: Likely pathogenic. The following ACMG criteria were applied in classifying this variant: PM2,PVS1.